The following is an entry in ClinVar:

NM_004548.3(NDUFB10):c.94G>T (p.Asp32Tyr)

Gene: NDUFB10 (NADH:ubiquinone oxidoreductase subunit B10; plus strand). Cytogenetic location: 16p13.3.
Variant type: single nucleotide variant.
Coding change: c.94G>T on transcript NM_004548.3 (MANE Select); coding-DNA position 94, G replaced by T.
Protein change: p.Asp32Tyr; replaces aspartic acid 32 with tyrosine.
Molecular consequence: missense variant.
Genome position (GRCh38, 1-based): chr16:1,959,718, G>T. VCF-style: chr16-1959718-G-T. GRCh37 (hg19) VCF-style: chr16-2009719-G-T.
Other names: short protein forms D32Y.
Identifiers: ClinVar variation 2876302 (VCV002876302.3), dbSNP rs370650845, ClinGen allele CA7823211.

ClinVar aggregate classification (germline): Uncertain significance (1 of 4 stars; one submission).

Allele frequency attached by ClinVar (database versions not stated): ExAC 0.00001; ESP Exome Variant Server 0.00008.

Submission:

Labcorp Genetics (formerly Invitae), Labcorp
Classification: Uncertain significance. Last evaluated: 2024-10-15. Review status: criteria provided, single submitter. Criteria: Invitae Variant Classification Sherloc (09022015). Collection method: clinical testing. Allele origin: germline.
Comment: This sequence change replaces aspartic acid, which is acidic and polar, with tyrosine, which is neutral and polar, at codon 32 of the NDUFB10 protein (p.Asp32Tyr). This variant is present in population databases (rs370650845, gnomAD 0.007%). This variant has not been reported in the literature in individuals affected with NDUFB10-related conditions. An algorithm developed to predict the effect of missense changes on protein structure and function (PolyPhen-2) suggests that this variant is likely to be disruptive. In summary, the available evidence is currently insufficient to determine the role of this variant in disease. Therefore, it has been classified as a Variant of Uncertain Significance.